The following is an entry in ClinVar:

NM_001042492.3(NF1):c.968C>A (p.Ala323Asp)

Gene: NF1 (neurofibromin 1; plus strand). Cytogenetic location: 17q11.2.
Variant type: single nucleotide variant.
Coding change: c.968C>A on transcript NM_001042492.3 (MANE Select); coding-DNA position 968, C replaced by A.
Protein change: p.Ala323Asp; replaces alanine 323 with aspartic acid.
Molecular consequence: missense variant.
Genome position (GRCh38, 1-based): chr17:31,200,501, C>A. VCF-style: chr17-31200501-C-A. GRCh37 (hg19) VCF-style: chr17-29527519-C-A.
Other names: c.968C>A, p.Ala323Asp (NM_000267.4, NM_001128147.3); short protein forms A323D.
Identifiers: ClinVar variation 839743 (VCV000839743.10), dbSNP rs2066507556, ClinGen allele CA398995966.

ClinVar aggregate classification (germline): Pathogenic/Likely pathogenic. Review status: criteria provided, multiple submitters, no conflicts (2 of 4 stars). 3 submissions from 3 submitters: Pathogenic (1); Likely pathogenic (1). 1 of the submissions does not count toward it. Last evaluated 2025-10-29.

Conditions:
Neurofibromatosis, type 1 (NF1). Also called: Peripheral type neurofibromatosis; VON RECKLINGHAUSEN DISEASE; Neurofibromatosis, type I; NEUROFIBROMATOSIS, TYPE I, SOMATIC. Identifiers: Orphanet 636, MedGen C0027831, MONDO:0018975, OMIM 162200. Disease mechanism: loss of function.

Submissions (3):

Labcorp Genetics (formerly Invitae), Labcorp
Classification: Pathogenic for Neurofibromatosis, type 1. Last evaluated: 2025-10-29. Review status: criteria provided, single submitter. Criteria: Invitae Variant Classification Sherloc (09022015). Collection method: clinical testing. Allele origin: germline.
Comment: This sequence change replaces alanine, which is neutral and non-polar, with aspartic acid, which is acidic and polar, at codon 323 of the NF1 protein (p.Ala323Asp). This variant is not present in population databases (gnomAD no frequency). This missense change has been observed in individual(s) with neurofibromatosis type 1 (PMID: 30308447). In at least one individual the variant was observed to be de novo. Invitae Evidence Modeling of clinical and family history, age, sex, and reported ancestry of multiple individuals with this NF1 variant has been performed. This variant is expected to be pathogenic with a positive predictive value of at least 99%. This is a validated machine learning model that incorporates the clinical features of 1,785,918 individuals referred to our laboratory for NF1 testing. ClinVar contains an entry for this variant (Variation ID: 839743). Invitae Evidence Modeling of protein sequence and biophysical properties (such as structural, functional, and spatial information, amino acid conservation, physicochemical variation, residue mobility, and thermodynamic stability) indicates that this missense variant is expected to disrupt NF1 protein function with a positive predictive value of 95%. For these reasons, this variant has been classified as Pathogenic.

Institute of Human Genetics, University of Leipzig Medical Center
Classification: Likely pathogenic for Neurofibromatosis, type 1. Last evaluated: 2024-03-21. Review status: criteria provided, single submitter. Criteria: ACMG Guidelines, 2015. Collection method: clinical testing. Allele origin: de novo. Inheritance: Autosomal dominant inheritance. Affected: yes.
Comment: Criteria applied: PS4_MOD,PS2,PM2,PP3,PP4

Laboratory of Medical Genetics, National & Kapodistrian University of Athens
Classification: Likely pathogenic for Neurofibromatosis, type 1. Last evaluated: 2019-01-01. Review status: no assertion criteria provided. Collection method: clinical testing. Allele origin: germline. Affected: yes. Not counted in ClinVar's aggregate classification.

Literature cited by the submitters: PubMed 30308447 (cited by Labcorp Genetics (formerly Invitae), Labcorp).